The following is an entry in ClinVar:

ClinVar aggregate classification (germline): Benign/Likely benign. Review status: criteria provided, multiple submitters, no conflicts (2 of 4 stars). 7 submissions from 7 submitters: Benign (3); Likely benign (3). 1 of the submissions does not count toward it. Last evaluated 2026-01-30.

Conditions:
Disorders of Intracellular Cobalamin Metabolism. Identifiers: MedGen CN043592.
Methylcobalamin deficiency type cblE (HMAE). Also called: VITAMIN B12-RESPONSIVE HOMOCYSTINURIA, cblE TYPE; HOMOCYSTINURIA-MEGALOBLASTIC ANEMIA, cblE COMPLEMENTATION TYPE; HOMOCYSTINURIA-MEGALOBLASTIC ANEMIA, cblE TYPE. Identifiers: Orphanet 2169, Orphanet 622, MedGen C1856057, MONDO:0009354, OMIM 236270.
MTRR-related disorder. Also called: MTRR-related condition.

Allele frequency attached by ClinVar (database versions not stated): gnomAD exomes 0.00030 and 0.00083; ExAC 0.00112; gnomAD 0.00312 and 0.00341; 1000 Genomes Project 30x 0.00328; 1000 Genomes Project 0.00339; TOPMed 0.00349; ESP Exome Variant Server 0.00423.
gnomAD v4.1: 927 of 1,614,200 alleles (0.057%); highest among the groups gnomAD compares: African/African-American, 1.1%; 7 homozygotes.

Submissions (7):

Labcorp Genetics (formerly Invitae), Labcorp
Classification: Benign for Methylcobalamin deficiency type cblE. Last evaluated: 2026-01-30. Review status: criteria provided, single submitter. Criteria: Invitae Variant Classification Sherloc (09022015). Collection method: clinical testing. Allele origin: germline.

PreventionGenetics, part of Exact Sciences
Classification: Benign for MTRR-related condition. Last evaluated: 2025-03-22. Review status: criteria provided, single submitter. Criteria: ACMG Guidelines, 2015. Collection method: clinical testing. Allele origin: germline.
Comment: This variant is classified as benign based on ACMG/AMP sequence variant interpretation guidelines (Richards et al. 2015 PMID: 25741868, with internal and published modifications).

Blueprint Genetics
Classification: Likely benign. Last evaluated: 2024-11-06. Review status: criteria provided, single submitter. Criteria: ACMG Guidelines, 2015. Collection method: clinical testing. Allele origin: germline.

Illumina Laboratory Services, Illumina
Classification: Benign for Disorders of Intracellular Cobalamin Metabolism. Last evaluated: 2018-01-13. Review status: criteria provided, single submitter. Criteria: ICSL Variant Classification Criteria 13 December 2019. Collection method: clinical testing. Allele origin: germline.
Comment: This variant was observed in the ICSL laboratory as part of a predisposition screen in an ostensibly healthy population. It had not been previously curated by ICSL or reported in the Human Gene Mutation Database (HGMD: prior to June 1st, 2018), and was therefore a candidate for classification through an automated scoring system. Utilizing variant allele frequency, disease prevalence and penetrance estimates, and inheritance mode, an automated score was calculated to assess if this variant is too frequent to cause the disease. Based on the score and internal cut-off values, a variant classified as benign is not then subjected to further curation. The score for this variant resulted in a classification of benign for this disease.

GeneDx
Classification: Likely benign. Last evaluated: 2017-10-02. Review status: criteria provided, single submitter. Criteria: GeneDx Variant Classification (06012015). Collection method: clinical testing. Allele origin: germline. Affected: yes.
Comment: This variant is considered likely benign or benign based on one or more of the following criteria: it is a conservative change, it occurs at a poorly conserved position in the protein, it is predicted to be benign by multiple in silico algorithms, and/or has population frequency not consistent with disease.

Breakthrough Genomics
Classification: Likely benign. Review status: criteria provided, single submitter. Criteria: ACMG Guidelines, 2015. Collection method: not provided. Allele origin: germline. Inheritance: Autosomal recessive inheritance. Affected: yes.

Natera, Inc.
Classification: Benign for CblE complementation type homocystinuria-megaloblastic anemia due to defect in cobalamin metabolism. Last evaluated: 2019-10-21. Review status: no assertion criteria provided. Collection method: clinical testing. Allele origin: germline. Not counted in ClinVar's aggregate classification.

NM_002454.3(MTRR):c.876C>T (p.Thr292=)

Gene: MTRR (5-methyltetrahydrofolate-homocysteine methyltransferase reductase; plus strand). Cytogenetic location: 5p15.31.
Variant type: single nucleotide variant.
Coding change: c.876C>T on transcript NM_002454.3 (MANE Select); coding-DNA position 876, C replaced by T.
Protein change: p.Thr292=; no amino-acid change (threonine 292 retained).
Molecular consequence: synonymous variant. On other transcripts: non-coding transcript variant (14).
Genome position (GRCh38, 1-based): chr5:7,883,250, C>T. VCF-style: chr5-7883250-C-T. GRCh37 (hg19) VCF-style: chr5-7883363-C-T.
Other names: c.876C>T, p.Thr292= (NM_001364440.2, NM_001364441.2, NM_001364442.2 and 1 more transcripts).
Identifiers: ClinVar variation 354358 (VCV000354358.22), dbSNP rs144724549, ClinGen allele CA3195721.